The following is an entry in ClinVar:

ClinVar aggregate classification (germline): Uncertain significance (1 of 4 stars; one submission).

Submission:

Labcorp Genetics (formerly Invitae), Labcorp
Classification: Uncertain significance. Last evaluated: 2025-04-23. Review status: criteria provided, single submitter. Criteria: Invitae Variant Classification Sherloc (09022015). Collection method: clinical testing. Allele origin: germline.
Comment: This sequence change replaces arginine, which is basic and polar, with tryptophan, which is neutral and slightly polar, at codon 1018 of the OGT protein (p.Arg1018Trp). This variant is present in population databases (rs748869234, gnomAD 0.008%), including at least one homozygous and/or hemizygous individual. This variant has not been reported in the literature in individuals affected with OGT-related conditions. An algorithm developed to predict the effect of missense changes on protein structure and function (PolyPhen-2) suggests that this variant is likely to be tolerated. In summary, the available evidence is currently insufficient to determine the role of this variant in disease. Therefore, it has been classified as a Variant of Uncertain Significance.

NM_181672.3(OGT):c.3052C>T (p.Arg1018Trp)

Gene: OGT (O-linked N-acetylglucosamine (GlcNAc) transferase; plus strand). Cytogenetic location: Xq13.1.
Variant type: single nucleotide variant.
Coding change: c.3052C>T on transcript NM_181672.3 (MANE Select); coding-DNA position 3052, C replaced by T.
Protein change: p.Arg1018Trp; replaces arginine 1018 with tryptophan.
Molecular consequence: missense variant.
Genome position (GRCh38, 1-based): chrX:71,573,705, C>T. VCF-style: chrX-71573705-C-T. GRCh37 (hg19) VCF-style: chrX-70793555-C-T.
Other names: c.3022C>T, p.Arg1008Trp (NM_181673.3); short protein forms R1018W, R1008W.
Identifiers: ClinVar variation 4773189 (VCV004773189.1).